The following is an entry in ClinVar:

ClinVar aggregate classification (germline): Likely pathogenic (1 of 4 stars; one submission).

Submission:

GeneDx
Classification: Likely pathogenic. Last evaluated: 2025-03-10. Review status: criteria provided, single submitter. Criteria: GeneDx Variant Classification Process June 2021. Collection method: clinical testing. Allele origin: germline. Affected: yes.
Comment: Canonical splice site variant predicted to result in an in-frame loss of the adjacent exon in a gene for which loss of function is a known mechanism of disease; Not observed at significant frequency in large population cohorts (gnomAD); This variant is associated with the following publications: (PMID: 30181649)

NM_021728.4(OTX2):c.274-1G>A

Gene: OTX2 (orthodenticle homeobox 2; minus strand). Cytogenetic location: 14q22.3.
Variant type: single nucleotide variant.
Coding change: c.274-1G>A on transcript NM_021728.4 (MANE Select); the canonical splice acceptor site of the intron before coding-DNA position 274, G replaced by A.
Molecular consequence: splice acceptor variant.
Genome position (GRCh38, 1-based): chr14:56,802,356, C>T on the plus strand (G>A on the coding strand, the complement: OTX2 is on the minus strand). VCF-style: chr14-56802356-C-T. GRCh37 (hg19) VCF-style: chr14-57269074-C-T.
Other names: c.250-1G>A (NM_001270523.2, NM_001270524.2, NM_172337.3); c.274-1G>A (NM_001270525.2).
Identifiers: ClinVar variation 4083410 (VCV004083410.1).